The following is an entry in ClinVar:

NM_000264.5(PTCH1):c.4163G>A (p.Gly1388Glu)

Gene: PTCH1 (patched 1; minus strand). Cytogenetic location: 9q22.32.
Variant type: single nucleotide variant.
Coding change: c.4163G>A on transcript NM_000264.5 (MANE Select); coding-DNA position 4163, G replaced by A.
Protein change: p.Gly1388Glu; replaces glycine 1388 with glutamic acid.
Molecular consequence: missense variant. On other transcripts: non-coding transcript variant (1).
Genome position (GRCh38, 1-based): chr9:95,447,093, C>T on the plus strand (G>A on the coding strand, the complement: PTCH1 is on the minus strand). VCF-style: chr9-95447093-C-T. GRCh37 (hg19) VCF-style: chr9-98209375-C-T.
Other names: c.3965G>A, p.Gly1322Glu (NM_001083602.3); c.4160G>A, p.Gly1387Glu (NM_001083603.3); c.3710G>A, p.Gly1237Glu (NM_001083604.3, NM_001083605.3, NM_001083606.3 and 1 more transcripts); c.4007G>A, p.Gly1336Glu (NM_001354918.2); short protein forms G1237E, G1322E, G1387E, G1388E, G1336E.
Identifiers: ClinVar variation 1738358 (VCV001738358.5), dbSNP rs2136574479, ClinGen allele CA374110202.
Genomic context (GRCh38, chr9:95,447,093, plus strand): 5'-AGGCCGTGGTCAGTCTCAGGGTAGCCTGGGCAGAGTCCCCCTCGGGGGTTCCGCCCAGGC[C>T]CAGGGACAGGCGGCGGGTGCACGGCGACAGTCACGGAGGCAGAAGCCGTCACAGTGGTGA-3'
Protein context (NP_000255.2, residues 1378-1398): TVAVHPPPVP[Gly1388Glu]PGRNPRGGLC

ClinVar aggregate classification (germline): Uncertain significance. Review status: criteria provided, multiple submitters, no conflicts (2 of 4 stars). 2 submissions from 2 submitters: Uncertain significance (2). Last evaluated 2025-02-19.

Conditions:
Hereditary cancer-predisposing syndrome. Also called: Neoplastic Syndromes, Hereditary; Tumor predisposition; Hereditary Cancer Syndrome; Hereditary neoplastic syndrome. Identifiers: Orphanet 140162, MedGen C0027672, MeSH D009386, MONDO:0015356.
Gorlin syndrome. Also called: Nevoid Basal Cell Carcinoma Syndrome; Basal cell nevus syndrome. Identifiers: Orphanet 377, MedGen C0004779, MONDO:0007187.

Allele frequency attached by ClinVar (database versions not stated): gnomAD exomes below 0.00001.
gnomAD v4.1: 1 of 1,613,864 alleles (0.000062%); highest among the groups gnomAD compares: African/African-American, 0.0013%; no homozygotes.

Submissions (2):

Labcorp Genetics (formerly Invitae), Labcorp
Classification: Uncertain significance for Gorlin syndrome. Last evaluated: 2025-02-19. Review status: criteria provided, single submitter. Criteria: Invitae Variant Classification Sherloc (09022015). Collection method: clinical testing. Allele origin: germline.
Comment: This sequence change replaces glycine, which is neutral and non-polar, with glutamic acid, which is acidic and polar, at codon 1388 of the PTCH1 protein (p.Gly1388Glu). This variant is not present in population databases (gnomAD no frequency). This variant has not been reported in the literature in individuals affected with PTCH1-related conditions. ClinVar contains an entry for this variant (Variation ID: 1738358). Invitae Evidence Modeling of protein sequence and biophysical properties (such as structural, functional, and spatial information, amino acid conservation, physicochemical variation, residue mobility, and thermodynamic stability) indicates that this missense variant is not expected to disrupt PTCH1 protein function with a negative predictive value of 95%. In summary, the available evidence is currently insufficient to determine the role of this variant in disease. Therefore, it has been classified as a Variant of Uncertain Significance.

Ambry Genetics
Classification: Uncertain significance for Hereditary cancer-predisposing syndrome. Last evaluated: 2022-02-05. Review status: criteria provided, single submitter. Criteria: Ambry Variant Classification Scheme 2023. Collection method: clinical testing. Allele origin: germline.
Comment: The p.G1388E variant (also known as c.4163G>A), located in coding exon 23 of the PTCH1 gene, results from a G to A substitution at nucleotide position 4163. The glycine at codon 1388 is replaced by glutamic acid, an amino acid with similar properties. This amino acid position is conserved. In addition, the in silico prediction for this alteration is inconclusive. Since supporting evidence is limited at this time, the clinical significance of this alteration remains unclear.